The following is an entry in ClinVar:

NM_000030.3(AGXT):c.997A>T (p.Arg333Ter)

Gene: AGXT (alanine--glyoxylate aminotransferase; plus strand). Cytogenetic location: 2q37.3.
Variant type: single nucleotide variant.
Coding change: c.997A>T on transcript NM_000030.3 (MANE Select); coding-DNA position 997, A replaced by T.
Protein change: p.Arg333Ter; replaces arginine 333 with a stop codon.
Molecular consequence: nonsense.
Genome position (GRCh38, 1-based): chr2:240,878,076, A>T. VCF-style: chr2-240878076-A-T. GRCh37 (hg19) VCF-style: chr2-241817493-A-T.
Other names: short protein forms R333*.
Identifiers: ClinVar variation 204142 (VCV000204142.14), dbSNP rs180177303, ClinGen allele CA275772.

ClinVar aggregate classification (germline): Pathogenic. Review status: criteria provided, multiple submitters, no conflicts (2 of 4 stars). 4 submissions from 4 submitters: Pathogenic (2). 2 of the submissions do not count toward it. Last evaluated 2022-06-28.

Conditions:
Primary hyperoxaluria, type I (HP1). Also called: GLYCOLIC ACIDURIA; HEPATIC AGT DEFICIENCY; OXALOSIS I; Primary hyperoxaluria type 1. Identifiers: Orphanet 416, Orphanet 93598, MedGen C0268164, MONDO:0009823, OMIM 259900. Disease mechanism: loss of function.

Submissions (4):

Revvity Omics, Revvity
Classification: Pathogenic for Primary hyperoxaluria, type I. Last evaluated: 2022-06-28. Review status: criteria provided, single submitter. Criteria: ACMG Guidelines, 2015. Collection method: clinical testing. Allele origin: germline.

Labcorp Genetics (formerly Invitae), Labcorp
Classification: Pathogenic. Last evaluated: 2019-04-05. Review status: criteria provided, single submitter. Criteria: Invitae Variant Classification Sherloc (09022015). Collection method: clinical testing. Allele origin: germline.
Comment: This variant is not present in population databases (ExAC no frequency). This sequence change creates a premature translational stop signal (p.Arg333*) in the AGXT gene. It is expected to result in an absent or disrupted protein product. This variant has been observed in multiple individuals affected with primary hyperoxaluria, type 1 (PMID: 10541294, 27644547, Invitae). ClinVar contains an entry for this variant (Variation ID: 204142). For these reasons, this variant has been classified as Pathogenic. Loss-of-function variants in AGXT are known to be pathogenic (PMID: 19479957). Algorithms developed to predict the effect of sequence changes on RNA splicing suggest that this variant may create or strengthen a splice site, but this prediction has not been confirmed by published transcriptional studies.

Natera, Inc.
Classification: Pathogenic for Primary hyperoxaluria type I. Last evaluated: 2021-03-15. Review status: no assertion criteria provided. Collection method: clinical testing. Allele origin: germline. Not counted in ClinVar's aggregate classification.

Clinical Biochemistry Laboratory, Health Services Laboratory
Classification: Pathogenic for Primary hyperoxaluria, type I. Last evaluated: 2014-11-27. Review status: no assertion criteria provided. Collection method: research. Allele origin: germline. Affected: yes. Not counted in ClinVar's aggregate classification.

Literature cited by the submitters: PubMed 10541294 (cited by Labcorp Genetics (formerly Invitae), Labcorp and Clinical Biochemistry Laboratory, Health Services Laboratory); PubMed 27644547 (cited by Labcorp Genetics (formerly Invitae), Labcorp); PubMed 19479957 (cited by Labcorp Genetics (formerly Invitae), Labcorp).